The following is an entry in ClinVar:

ClinVar aggregate classification (germline): Uncertain significance (1 of 4 stars; one submission).

Submission:

GeneDx
Classification: Uncertain significance. Last evaluated: 2025-10-22. Review status: criteria provided, single submitter. Criteria: GeneDx Variant Classification Process June 2021. Collection method: clinical testing. Allele origin: germline. Affected: yes.
Comment: Not observed at significant frequency in large population cohorts (gnomAD); In silico analysis supports that this missense variant has a deleterious effect on protein structure/function; Has not been previously published as pathogenic or benign to our knowledge

NM_130837.3(OPA1):c.677A>C (p.Lys226Thr)

Genes: OPA1 (OPA1 mitochondrial dynamin like GTPase; plus strand), OPA1-AS1 (OPA1 antisense RNA 1; minus strand). Cytogenetic location: 3q29.
Variant type: single nucleotide variant.
Coding change: c.677A>C on transcript NM_130837.3 (MANE Select); coding-DNA position 677, A replaced by C.
Protein change: p.Lys226Thr; replaces lysine 226 with threonine.
Molecular consequence: missense variant.
Genome position (GRCh38, 1-based): chr3:193,618,935, A>C. VCF-style: chr3-193618935-A-C. GRCh37 (hg19) VCF-style: chr3-193336724-A-C.
Other names: c.143A>C, p.Lys48Thr (NM_001354663.2); c.251A>C, p.Lys84Thr (NM_001354664.2); c.623A>C, p.Lys208Thr (NM_015560.3, NM_130836.3); c.515A>C, p.Lys172Thr (NM_130831.3, NM_130833.3); c.569A>C, p.Lys190Thr (NM_130832.3, NM_130835.3); c.677A>C, p.Lys226Thr (NM_130834.3); short protein forms K172T, K190T, K208T, K226T, K48T, K84T.
Identifiers: ClinVar variation 3377836 (VCV003377836.2).
Genomic context (GRCh38, chr3:193,618,935, plus strand): 5'-CGGAAGAAACGGCGTTTAGAGCAACAGATCGTGGATCTGAAAGTGACAAGCATTTTAGAA[A>C]GGTAAGTGTAAAAGAGAATTGTTCATGTAGGTAGTCTTGAAAGATTTTTTAAAGTTTTTA-3'
Protein context (NP_570850.2, residues 216-236): RGSESDKHFR[Lys226Thr]GLLGELILLQ